The following is an entry in ClinVar:

ClinVar aggregate classification (germline): Pathogenic/Likely pathogenic. Review status: criteria provided, multiple submitters, no conflicts (2 of 4 stars). 6 submissions from 6 submitters: Pathogenic (2); Likely pathogenic (2). 2 of the submissions do not count toward it. Last evaluated 2024-04-24.

Conditions:
COL3A1-related disorder. Also called: COL3A1-related condition.
Ehlers-Danlos syndrome, type 4 (EDSVASC). Also called: Ehlers-Danlos syndrome vascular type; Ehlers Danlos syndrome, ecchymotic type; Ehlers Danlos syndrome, arterial type; Ehlers Danlos syndrome, Sack-Barabas type; Ehlers-Danlos Syndrome Type IV. Identifiers: Orphanet 286, MedGen C0268338, MONDO:0017314, OMIM 130050.
Familial thoracic aortic aneurysm and aortic dissection (TAAD). Also called: Thoracic aortic aneurysms and dissections. Identifiers: Orphanet 91387, MedGen C4707243, MONDO:0019625.

Submissions (6):

Labcorp Genetics (formerly Invitae), Labcorp
Classification: Pathogenic for Ehlers-Danlos syndrome, type 4. Last evaluated: 2024-04-24. Review status: criteria provided, single submitter. Criteria: Invitae Variant Classification Sherloc (09022015). Collection method: clinical testing. Allele origin: germline.
Comment: This sequence change replaces glycine, which is neutral and non-polar, with alanine, which is neutral and non-polar, at codon 225 of the COL3A1 protein (p.Gly225Ala). This variant is not present in population databases (gnomAD no frequency). This missense change has been observed in individuals with clinical features of vascular Ehlers-Danlos syndrome (PMID: 24922459, 31126764; external communication). ClinVar contains an entry for this variant (Variation ID: 101469). Advanced modeling of protein sequence and biophysical properties (such as structural, functional, and spatial information, amino acid conservation, physicochemical variation, residue mobility, and thermodynamic stability) performed at Invitae indicates that this missense variant is expected to disrupt COL3A1 protein function with a positive predictive value of 95%. This variant disrupts the triple helix domain of COL3A1. Glycine residues within the Gly-Xaa-Yaa repeats of the triple helix domain are required for the structure and stability of fibrillar collagens (PMID: 7695699, 8218237, 19344236). In COL3A1, variants that affect these glycine residues are significantly enriched in individuals with disease (PMID: 24922459, 25758994) compared to the general population (ExAC). This variant disrupts the p.Gly225 amino acid residue in COL3A1. Other variant(s) that disrupt this residue have been observed in individuals with COL3A1-related conditions (PMID: 22019127), which suggests that this may be a clinically significant amino acid residue. For these reasons, this variant has been classified as Pathogenic.

Ambry Genetics
Classification: Likely pathogenic for Familial thoracic aortic aneurysm and aortic dissection. Last evaluated: 2020-07-21. Review status: criteria provided, single submitter. Criteria: Ambry Variant Classification Scheme 2023. Collection method: clinical testing. Allele origin: germline.
Comment: The p.G225A variant (also known as c.674G>C), located in coding exon 8 of the COL3A1 gene, results from a G to C substitution at nucleotide position 674. The glycine at codon 225 is replaced by alanine, an amino acid with similar properties. The majority (approximately two-thirds) of COL3A1 mutations identified to date have involved the substitution of another amino acid for glycine within the triple-helical domain (Pepin MG et al. Genet Med. 2014;16(12):881-8; Frank M et al. Eur J Hum Genet. 2015;23(12):1657-64). This particular glycine substitution has been reported in two vascular Ehlers-Danlos syndrome (vEDS) cohorts (Pepin MG, Genet. Med. 2014 Dec; 16(12):881-8; Shalhub S et al. J. Vasc. Surg., 2019 Nov;70:1543-1554). Internal structural analysis indicates that this alteration disrupts the characteristic G-X-Y motif in the COL3A1 protein and inserts a bulky side chain into a sterically-constrained region (Bella J et al. Science. 1994;266:75-81; Hohenester E et al. Proc. Natl. Acad. Sci. U.S.A. 2008;105:18273-7; Ambry internal data). Two alterations in the same codon, p.G225D and p.G225S, have also been associated with vEDS (Drera B et al. J. Dermatol. Sci., 2011 Dec;64:237-40; Legrand A et al. Genet. Med., 2019 07;21:1568-1575). This amino acid position is highly conserved in available vertebrate species. In addition, this alteration is predicted to be deleterious by in silico analysis. Based on the majority of available evidence to date, this variant is likely to be pathogenic.

Laboratory for Molecular Medicine, Mass General Brigham Personalized Medicine
Classification: Likely pathogenic for Ehlers-Danlos syndrome, type 4. Last evaluated: 2020-04-16. Review status: criteria provided, single submitter. Criteria: ACMG Guidelines, 2015. Collection method: clinical testing. Allele origin: germline. Inheritance: Autosomal dominant inheritance.
Comment: The p.Gly225Ala variant in COL3A1 has been reported in at least 1 individual with clinical features of Ehlers-Danlos syndrome type IV (EDS IV, vascular) (Pepin 2014) and was absent from large population studies. Computational prediction tools and conservation analysis suggest that this variant may impact the protein, though this information is not predictive enough to determine pathogenicity. Variants in COL3A1 affecting conserved glycine (Gly) residues of the G-X-Y repeat region in the triple helical collagen domain, where this variant is located, are strongly associated with EDS IV (Pepin 2000, Pepin 2014, Frank 2015). In summary, although additional studies are required to fully establish its clinical significance, this variant meets criteria to be classified as likely pathogenic for autosomal dominant EDS IV. ACMG/AMP Criteria applied: PM1, PS4_Supporting, PM2, PP3.

GeneDx
Classification: Pathogenic. Last evaluated: 2017-05-03. Review status: criteria provided, single submitter. Criteria: GeneDx Variant Classification (06012015). Collection method: clinical testing. Allele origin: germline. Affected: yes.
Comment: The G225A pathogenic variant in the COL3A1 gene has previously been reported in one individual with vascular Ehlers Danlos syndrome (EDS type IV) (Pepin et al., 2014). In addition, different missense variants affecting the same residue (G225V, G225D) have also been reported in association with vascular EDS (Pepin et al., 2014; Drera et al., 2011). The G225A variant is not observed in large population cohorts (Lek et al., 2016; 1000 Genomes Consortium et al., 2015; Exome Variant Server). Although the G225A variant is a conservative amino acid substitution, which is not likely to impact secondary protein structure as these residues share similar properties, it occurs at a position that is conserved across species. In addition, in silico analysis predicts this variant is probably damaging to the protein structure/function. Furthermore, the G225A variant affects a Glycine residue in a Gly-X-Y motif in the triple helical region of the COL3A1 gene, where the majority of pathogenic missense variants occur (Stenson et al., 2014; Symoens et al., 2012).

PreventionGenetics, part of Exact Sciences
Classification: Likely pathogenic for COL3A1-related condition. Last evaluated: 2024-02-09. Review status: no assertion criteria provided. Collection method: clinical testing. Allele origin: germline. Not counted in ClinVar's aggregate classification.
Comment: The COL3A1 c.674G>C variant is predicted to result in the amino acid substitution p.Gly225Ala. This variant, also referred to as p.Gly58Ala using the legacy nomenclature, has been reported in an individual with Ehlers-Danlos syndrome IV (vascular type) (Table S1, Pepin et al. 2014. PubMed ID: 24922459). Alternate nucleotide changes affecting the same amino acid (p.Gly225Ser; p.Gly225Asp; and p.Gly225Val) have also been reported in individuals with COL3A1-associated disease (Table S2, Legrand et al. 2019. PubMed ID: 30474650; Drera et al. 2011. PubMed ID: 22019127; p.Gly225Val was reported as G58V in Pepin et al. 2000. PubMed ID: 10706896). This variant has not been reported in a large population database, indicating this variant is rare. This variant is interpreted as likely pathogenic.

Collagen Diagnostic Laboratory, University of Washington
Classification: Pathogenic for Ehlers-Danlos syndrome, type 4. Review status: no assertion criteria provided. Collection method: clinical testing. Allele origin: germline. Affected: yes. Not counted in ClinVar's aggregate classification.

Literature cited by the submitters: PubMed 24922459 (cited by 3 submitters); PubMed 31126764 (cited by Labcorp Genetics (formerly Invitae), Labcorp and Ambry Genetics); PubMed 7695699 (cited by Labcorp Genetics (formerly Invitae), Labcorp); PubMed 8218237 (cited by Labcorp Genetics (formerly Invitae), Labcorp); PubMed 19344236 (cited by Labcorp Genetics (formerly Invitae), Labcorp); PubMed 25758994 (cited by Labcorp Genetics (formerly Invitae), Labcorp); PubMed 22019127 (cited by Labcorp Genetics (formerly Invitae), Labcorp and Ambry Genetics); PubMed 30474650 (cited by Ambry Genetics).

NM_000090.4(COL3A1):c.674G>C (p.Gly225Ala)

Gene: COL3A1 (collagen type III alpha 1 chain; plus strand). Cytogenetic location: 2q32.2.
Variant type: single nucleotide variant.
Coding change: c.674G>C on transcript NM_000090.4 (MANE Select); coding-DNA position 674, G replaced by C.
Protein change: p.Gly225Ala; replaces glycine 225 with alanine.
Molecular consequence: missense variant.
Genome position (GRCh38, 1-based): chr2:188,989,433, G>C. VCF-style: chr2-188989433-G-C. GRCh37 (hg19) VCF-style: chr2-189854159-G-C.
Identifiers: ClinVar variation 101469 (VCV000101469.18), dbSNP rs587779533, ClinGen allele CA007233.